The following is an entry in ClinVar:

NM_004656.4(BAP1):c.1558T>C (p.Ser520Pro)

Gene: BAP1 (BRCA1 associated deubiquitinase 1; minus strand). Cytogenetic location: 3p21.1.
Variant type: single nucleotide variant.
Coding change: c.1558T>C on transcript NM_004656.4 (MANE Select); coding-DNA position 1558, T replaced by C.
Protein change: p.Ser520Pro; replaces serine 520 with proline.
Molecular consequence: missense variant.
Genome position (GRCh38, 1-based): chr3:52,403,587, A>G on the plus strand (T>C on the coding strand, the complement: BAP1 is on the minus strand). VCF-style: chr3-52403587-A-G. GRCh37 (hg19) VCF-style: chr3-52437603-A-G.
Other names: c.1504T>C, p.Ser502Pro (NM_001410772.1); short protein forms S520P, S502P.
Identifiers: ClinVar variation 1775203 (VCV001775203.8), dbSNP rs2153226668, ClinGen allele CA353100688.
Genomic context (GRCh38, chr3:52,403,587, plus strand): 5'-GCAGCAGGCTGTCATCCTCTCCAAAAAGCACCTTGGAGATGTGGGAGGTGACAGGGCTGG[A>G]GGGCCGCGTCGGGTTGGCTGAGCGGATAGGCGAGCGCAGTGGCGAGTTGAAAGCACTGCC-3'
Protein context (NP_004647.1, residues 510-530): PIRSANPTRP[Ser520Pro]SPVTSHISKV

ClinVar aggregate classification (germline): Uncertain significance. Review status: criteria provided, multiple submitters, no conflicts (2 of 4 stars). 2 submissions from 2 submitters: Uncertain significance (2). Last evaluated 2025-05-25.

Conditions:
Hereditary cancer-predisposing syndrome. Also called: Hereditary Cancer Syndrome; Hereditary neoplastic syndrome; Neoplastic Syndromes, Hereditary; Tumor predisposition. Identifiers: Orphanet 140162, MedGen C0027672, MeSH D009386, MONDO:0015356.
BAP1-related tumor predisposition syndrome (TPDS1). Also called: COMMON Syndrome; TUMOR PREDISPOSITION SYNDROME 1; BAP1 tumor predisposition syndrome; Tumor susceptibility linked to germline BAP1 mutations. Identifiers: Orphanet 289539, MedGen C3280492, MONDO:0013692, OMIM 614327.

Submissions (2):

Labcorp Genetics (formerly Invitae), Labcorp
Classification: Uncertain significance for BAP1-related tumor predisposition syndrome. Last evaluated: 2025-05-25. Review status: criteria provided, single submitter. Criteria: Invitae Variant Classification Sherloc (09022015). Collection method: clinical testing. Allele origin: germline.
Comment: This sequence change replaces serine, which is neutral and polar, with proline, which is neutral and non-polar, at codon 520 of the BAP1 protein (p.Ser520Pro). This variant is not present in population databases (gnomAD no frequency). This variant has not been reported in the literature in individuals affected with BAP1-related conditions. ClinVar contains an entry for this variant (Variation ID: 1775203). Invitae Evidence Modeling of protein sequence and biophysical properties (such as structural, functional, and spatial information, amino acid conservation, physicochemical variation, residue mobility, and thermodynamic stability) indicates that this missense variant is not expected to disrupt BAP1 protein function with a negative predictive value of 80%. In summary, the available evidence is currently insufficient to determine the role of this variant in disease. Therefore, it has been classified as a Variant of Uncertain Significance.

Ambry Genetics
Classification: Uncertain significance for Hereditary cancer-predisposing syndrome. Last evaluated: 2025-04-01. Review status: criteria provided, single submitter. Criteria: Ambry Variant Classification Scheme 2023. Collection method: clinical testing. Allele origin: germline.
Comment: The p.S520P variant (also known as c.1558T>C), located in coding exon 13 of the BAP1 gene, results from a T to C substitution at nucleotide position 1558. The serine at codon 520 is replaced by proline, an amino acid with similar properties. This amino acid position is highly conserved in available vertebrate species. In addition, the in silico prediction for this alteration is inconclusive. Since supporting evidence is limited at this time, the clinical significance of this alteration remains unclear.